The following is an entry in ClinVar:

NM_006231.4(POLE):c.1012C>G (p.Pro338Ala)

Gene: POLE (DNA polymerase epsilon, catalytic subunit; minus strand). Cytogenetic location: 12q24.33.
Variant type: single nucleotide variant.
Coding change: c.1012C>G on transcript NM_006231.4 (MANE Select); coding-DNA position 1012, C replaced by G.
Protein change: p.Pro338Ala; replaces proline 338 with alanine.
Molecular consequence: missense variant.
Genome position (GRCh38, 1-based): chr12:132,676,102, G>C on the plus strand (C>G on the coding strand, the complement: POLE is on the minus strand). VCF-style: chr12-132676102-G-C. GRCh37 (hg19) VCF-style: chr12-133252688-G-C.
Other names: short protein forms P338A.
Identifiers: ClinVar variation 1026403 (VCV001026403.8), dbSNP rs1565976008, ClinGen allele CA387363412.

ClinVar aggregate classification (germline): Uncertain significance (1 of 4 stars; one submission).

Submission:

Labcorp Genetics (formerly Invitae), Labcorp
Classification: Uncertain significance. Last evaluated: 2020-10-21. Review status: criteria provided, single submitter. Criteria: Invitae Variant Classification Sherloc (09022015). Collection method: clinical testing. Allele origin: germline.
Comment: Algorithms developed to predict the effect of sequence changes on RNA splicing suggest that this variant may create or strengthen a splice site, but this prediction has not been confirmed by published transcriptional studies. In summary, the available evidence is currently insufficient to determine the role of this variant in disease. Therefore, it has been classified as a Variant of Uncertain Significance. Algorithms developed to predict the effect of missense changes on protein structure and function (SIFT, PolyPhen-2, Align-GVGD) all suggest that this variant is likely to be tolerated, but these predictions have not been confirmed by published functional studies and their clinical significance is uncertain. This variant has not been reported in the literature in individuals with POLE-related conditions. This variant is not present in population databases (ExAC no frequency). This sequence change replaces proline with alanine at codon 338 of the POLE protein (p.Pro338Ala). The proline residue is moderately conserved and there is a small physicochemical difference between proline and alanine.